The following is an entry in ClinVar:

NM_031935.3(HMCN1):c.2425A>G (p.Asn809Asp)

Gene: HMCN1 (hemicentin 1; plus strand). Cytogenetic location: 1q31.1.
Variant type: single nucleotide variant.
Coding change: c.2425A>G on transcript NM_031935.3 (MANE Select); coding-DNA position 2425, A replaced by G.
Protein change: p.Asn809Asp; replaces asparagine 809 with aspartic acid.
Molecular consequence: missense variant.
Genome position (GRCh38, 1-based): chr1:185,977,840, A>G. VCF-style: chr1-185977840-A-G. GRCh37 (hg19) VCF-style: chr1-185946972-A-G.
Other names: short protein forms N809D.
Identifiers: ClinVar variation 1958902 (VCV001958902.5), dbSNP rs770766460, ClinGen allele CA1291394.

ClinVar aggregate classification (germline): Uncertain significance (1 of 4 stars; one submission).

Allele frequency attached by ClinVar (database versions not stated): gnomAD exomes 0.00001; TOPMed 0.00001; ExAC 0.00003.
gnomAD v4.1: 14 of 1,613,288 alleles (0.00087%); highest among the groups gnomAD compares: South Asian, 0.014%; no homozygotes.

Submission:

Labcorp Genetics (formerly Invitae), Labcorp
Classification: Uncertain significance. Last evaluated: 2022-08-03. Review status: criteria provided, single submitter. Criteria: Invitae Variant Classification Sherloc (09022015). Collection method: clinical testing. Allele origin: germline.
Comment: Algorithms developed to predict the effect of sequence changes on RNA splicing suggest that this variant may create or strengthen a splice site. In summary, the available evidence is currently insufficient to determine the role of this variant in disease. Therefore, it has been classified as a Variant of Uncertain Significance. Algorithms developed to predict the effect of missense changes on protein structure and function are either unavailable or do not agree on the potential impact of this missense change (SIFT: "Tolerated"; PolyPhen-2: "Probably Damaging"; Align-GVGD: "Class C0"). This variant has not been reported in the literature in individuals affected with HMCN1-related conditions. This variant is present in population databases (rs770766460, gnomAD 0.01%). This sequence change replaces asparagine, which is neutral and polar, with aspartic acid, which is acidic and polar, at codon 809 of the HMCN1 protein (p.Asn809Asp).